The following is an entry in ClinVar:

NM_207122.2(EXT2):c.1806+5G>C

Gene: EXT2 (exostosin glycosyltransferase 2; plus strand). Cytogenetic location: 11p11.2.
Variant type: single nucleotide variant.
Coding change: c.1806+5G>C on transcript NM_207122.2 (MANE Select); 5 bases into the intron after coding-DNA position 1806, G replaced by C.
Molecular consequence: intron variant.
Genome position (GRCh38, 1-based): chr11:44,232,501, G>C. VCF-style: chr11-44232501-G-C. GRCh37 (hg19) VCF-style: chr11-44254051-G-C.
Other names: c.1806+5G>C (NM_001389630.1, NM_001389628.1); c.1836+5G>C (NM_001178083.3); c.1905+5G>C (NM_000401.3).
Identifiers: ClinVar variation 2137062 (VCV002137062.4), dbSNP rs548650597, ClinGen allele CA5955354.

ClinVar aggregate classification (germline): Uncertain significance (1 of 4 stars; one submission).

Conditions:
Exostoses, multiple, type 2 (EXT2). Also called: Hereditary Multiple Osteochondromatosis, Type II; EXOSTOSES, MULTIPLE, TYPE II. Identifiers: Orphanet 321, MedGen C1851413, MONDO:0007586, OMIM 133701.

Allele frequency attached by ClinVar (database versions not stated): TOPMed below 0.00001; gnomAD 0.00001; gnomAD exomes 0.00003; ExAC 0.00004; 1000 Genomes Project 0.00020.
gnomAD v4.1: 17 of 1,613,660 alleles (0.0011%); highest among the groups gnomAD compares: East Asian, 0.038%; no homozygotes.

Submission:

Labcorp Genetics (formerly Invitae), Labcorp
Classification: Uncertain significance for Exostoses, multiple, type 2. Last evaluated: 2025-04-17. Review status: criteria provided, single submitter. Criteria: Invitae Variant Classification Sherloc (09022015). Collection method: clinical testing. Allele origin: germline.
Comment: This sequence change falls in intron 11 of the EXT2 gene. It does not directly change the encoded amino acid sequence of the EXT2 protein. It affects a nucleotide within the consensus splice site. This variant is present in population databases (rs548650597, gnomAD 0.06%). This variant has been observed in individual(s) with multiple osteochondromas (PMID: 18976157). ClinVar contains an entry for this variant (Variation ID: 2137062). Variants that disrupt the consensus splice site are a relatively common cause of aberrant splicing (PMID: 17576681, 9536098). Algorithms developed to predict the effect of sequence changes on RNA splicing suggest that this variant is not likely to affect RNA splicing. In summary, the available evidence is currently insufficient to determine the role of this variant in disease. Therefore, it has been classified as a Variant of Uncertain Significance.

Literature cited by the submitters: PubMed 18976157; PubMed 17576681; PubMed 9536098.